The following is an entry in ClinVar:

ClinVar aggregate classification (germline): Uncertain significance (1 of 4 stars; one submission).

Conditions:
Early-infantile DEE. Also called: Ohtahara syndrome; Early infantile epileptic encephalopathy with suppression bursts; Early infantile epileptic encephalopathy. Identifiers: Orphanet 1934, MedGen C0393706, MONDO:0800491.

Submission:

Labcorp Genetics (formerly Invitae), Labcorp
Classification: Uncertain significance for Early-infantile DEE. Last evaluated: 2020-04-08. Review status: criteria provided, single submitter. Criteria: Invitae Variant Classification Sherloc (09022015). Collection method: clinical testing. Allele origin: germline.
Comment: This variant has not been reported in the literature in individuals with SPTAN1-related conditions. In summary, the available evidence is currently insufficient to determine the role of this variant in disease. Therefore, it has been classified as a Variant of Uncertain Significance. Algorithms developed to predict the effect of missense changes on protein structure and function (SIFT, PolyPhen-2, Align-GVGD) all suggest that this variant is likely to be disruptive, but these predictions have not been confirmed by published functional studies and their clinical significance is uncertain. This variant is not present in population databases (ExAC no frequency). This sequence change replaces glutamic acid with aspartic acid at codon 1893 of the SPTAN1 protein (p.Glu1893Asp). The glutamic acid residue is highly conserved and there is a small physicochemical difference between glutamic acid and aspartic acid.

NM_001130438.3(SPTAN1):c.5679G>T (p.Glu1893Asp)

Gene: SPTAN1 (spectrin alpha, non-erythrocytic 1; plus strand). Cytogenetic location: 9q34.11.
Variant type: single nucleotide variant.
Coding change: c.5679G>T on transcript NM_001130438.3 (MANE Select); coding-DNA position 5679, G replaced by T.
Protein change: p.Glu1893Asp; replaces glutamic acid 1893 with aspartic acid.
Molecular consequence: missense variant.
Genome position (GRCh38, 1-based): chr9:128,618,949, G>T. VCF-style: chr9-128618949-G-T. GRCh37 (hg19) VCF-style: chr9-131381228-G-T.
Other names: c.5604G>T, p.Glu1868Asp (NM_001195532.2); c.5679G>T, p.Glu1893Asp (NM_001363759.2, NM_001375310.1, NM_001375311.2 and 1 more transcripts); c.5619G>T, p.Glu1873Asp (NM_001363765.2, NM_001375314.2); c.5715G>T, p.Glu1905Asp (NM_001375312.2, NM_001375318.1); c.5664G>T, p.Glu1888Asp (NM_003127.4); short protein forms E1868D, E1873D, E1888D, E1893D, E1905D.
Identifiers: ClinVar variation 1005090 (VCV001005090.9), dbSNP rs1857518094, ClinGen allele CA375078200.
Genomic context (GRCh38, chr9:128,618,949, plus strand): 5'-GTCCTTGGAATATCAGCAGTTTGTAGCCAATGTGGAAGAGGAAGAAGCCTGGATCAATGA[G>T]AAAATGACCCTGGTGGCCAGCGAAGATTATGGCGACACTCTTGCCGCCATCCAGGTGAGA-3'
Protein context (NP_001123910.1, residues 1883-1903): NVEEEEAWIN[Glu1893Asp]KMTLVASEDY